The following is an entry in ClinVar:

NM_024747.6(HPS6):c.2077C>T (p.Arg693Cys)

Gene: HPS6 (HPS6 biogenesis of lysosomal organelles complex 2 subunit 3; plus strand). Cytogenetic location: 10q24.32.
Variant type: single nucleotide variant.
Coding change: c.2077C>T on transcript NM_024747.6 (MANE Select); coding-DNA position 2077, C replaced by T.
Protein change: p.Arg693Cys; replaces arginine 693 with cysteine.
Molecular consequence: missense variant.
Genome position (GRCh38, 1-based): chr10:102,067,551, C>T. VCF-style: chr10-102067551-C-T. GRCh37 (hg19) VCF-style: chr10-103827308-C-T.
Other names: short protein forms R693C.
Identifiers: ClinVar variation 1929422 (VCV001929422.2), dbSNP rs759990152, ClinGen allele CA5660102.

ClinVar aggregate classification (germline): Uncertain significance (1 of 4 stars; one submission).

Allele frequency attached by ClinVar (database versions not stated): ExAC 0.00001; gnomAD exomes 0.00001; gnomAD 0.00002; TOPMed 0.00002.
gnomAD v4.1: 14 of 1,613,536 alleles (0.00087%); highest among the groups gnomAD compares: East Asian, 0.0045%; no homozygotes.

Submission:

Labcorp Genetics (formerly Invitae), Labcorp
Classification: Uncertain significance. Last evaluated: 2022-06-18. Review status: criteria provided, single submitter. Criteria: Invitae Variant Classification Sherloc (09022015). Collection method: clinical testing. Allele origin: germline.
Comment: This sequence change replaces arginine, which is basic and polar, with cysteine, which is neutral and slightly polar, at codon 693 of the HPS6 protein (p.Arg693Cys). This variant is present in population databases (rs759990152, gnomAD 0.01%). This variant has not been reported in the literature in individuals affected with HPS6-related conditions. Algorithms developed to predict the effect of missense changes on protein structure and function output the following: SIFT: "Tolerated"; PolyPhen-2: "Benign"; Align-GVGD: "Class C15". The cysteine amino acid residue is found in multiple mammalian species, which suggests that this missense change does not adversely affect protein function. In summary, the available evidence is currently insufficient to determine the role of this variant in disease. Therefore, it has been classified as a Variant of Uncertain Significance.